The following is an entry in ClinVar:

NM_002032.3(FTH1):c.161A>G (p.Lys54Arg)

Genes: BEST1 (bestrophin 1; plus strand), FTH1 (ferritin heavy chain 1; minus strand). Cytogenetic location: 11q12.3.
Variant type: single nucleotide variant.
Coding change: c.161A>G on transcript NM_002032.3 (MANE Select); coding-DNA position 161, A replaced by G.
Protein change: p.Lys54Arg; replaces lysine 54 with arginine.
Molecular consequence: missense variant.
Genome position (GRCh38, 1-based): chr11:61,965,469, T>C on the plus strand (A>G on the coding strand, the complement: FTH1 is on the minus strand). VCF-style: chr11-61965469-T-C. GRCh37 (hg19) VCF-style: chr11-61732941-T-C.
Other names: short protein forms K54R.
Identifiers: ClinVar variation 305145 (VCV000305145.24), dbSNP rs186448909, ClinGen allele CA6041299.

ClinVar aggregate classification (germline): Benign/Likely benign. Review status: criteria provided, multiple submitters, no conflicts (2 of 4 stars). 4 submissions from 4 submitters: Benign (1); Likely benign (2). 1 of the submissions does not count toward it. Last evaluated 2026-07-01.

Conditions:
FTH1-related disorder. Also called: FTH1-related condition.
Hemochromatosis type 5. Also called: Iron overload, autosomal dominant. Identifiers: Orphanet 247790, MedGen C1851316, MONDO:0014225, OMIM 615517.

Allele frequency attached by ClinVar (database versions not stated): 1000 Genomes Project 30x 0.00062; 1000 Genomes Project 0.00080; ESP Exome Variant Server 0.00166; ExAC 0.00174; gnomAD exomes 0.00174 and 0.00278; TOPMed 0.00190; gnomAD 0.00202.
gnomAD v4.1: 4,364 of 1,608,172 alleles (0.27%); highest among the groups gnomAD compares: Non-Finnish European, 0.33%; 8 homozygotes.

Submissions (4):

CeGaT Center for Human Genetics Tuebingen
Classification: Likely benign. Last evaluated: 2026-07-01. Review status: criteria provided, single submitter. Criteria: CeGaT Center For Human Genetics Tuebingen Variant Classification Criteria Version 2. Collection method: clinical testing. Allele origin: germline. Affected: yes. Observed: 11 variant alleles.
Comment: BEST1: BS1; FTH1: BS1

Labcorp Genetics (formerly Invitae), Labcorp
Classification: Likely benign. Last evaluated: 2026-01-05. Review status: criteria provided, single submitter. Criteria: Invitae Variant Classification Sherloc (09022015). Collection method: clinical testing. Allele origin: germline.

Illumina Laboratory Services, Illumina
Classification: Benign for Hemochromatosis type 5. Last evaluated: 2018-03-06. Review status: criteria provided, single submitter. Criteria: ICSL Variant Classification Criteria 13 December 2019. Collection method: clinical testing. Allele origin: germline.
Comment: This variant was observed in the ICSL laboratory as part of a predisposition screen in an ostensibly healthy population. It had not been previously curated by ICSL or reported in the Human Gene Mutation Database (HGMD: prior to June 1st, 2018), and was therefore a candidate for classification through an automated scoring system. Utilizing variant allele frequency, disease prevalence and penetrance estimates, and inheritance mode, an automated score was calculated to assess if this variant is too frequent to cause the disease. Based on the score and internal cut-off values, a variant classified as benign is not then subjected to further curation. The score for this variant resulted in a classification of benign for this disease.

PreventionGenetics, part of Exact Sciences
Classification: Likely benign for FTH1-related condition. Last evaluated: 2022-11-03. Review status: no assertion criteria provided. Collection method: clinical testing. Allele origin: germline. Not counted in ClinVar's aggregate classification.
Comment: This variant is classified as likely benign based on ACMG/AMP sequence variant interpretation guidelines (Richards et al. 2015 PMID: 25741868, with internal and published modifications).